The following is an entry in ClinVar:

NM_153676.4(USH1C):c.116T>C (p.Val39Ala)

Gene: USH1C (USH1 protein network component harmonin; minus strand). Cytogenetic location: 11p15.1.
Variant type: single nucleotide variant.
Coding change: c.116T>C on transcript NM_153676.4 (MANE Select); coding-DNA position 116, T replaced by C.
Protein change: p.Val39Ala; replaces valine 39 with alanine.
Molecular consequence: missense variant. On other transcripts: non-coding transcript variant (1).
Genome position (GRCh38, 1-based): chr11:17,531,531, A>G on the plus strand (T>C on the coding strand, the complement: USH1C is on the minus strand). VCF-style: chr11-17531531-A-G. GRCh37 (hg19) VCF-style: chr11-17553078-A-G.
Other names: c.116T>C, p.Val39Ala (NM_001297764.2, NM_005709.4); short protein forms V39A.
Identifiers: ClinVar variation 1992872 (VCV001992872.4), dbSNP rs2497228455, ClinGen allele CA379798823.

ClinVar aggregate classification (germline): Uncertain significance (1 of 4 stars; one submission).

Allele frequency attached by ClinVar (database versions not stated): gnomAD exomes below 0.00001.
gnomAD v4.1: 1 of 1,613,384 alleles (0.000062%); highest among the groups gnomAD compares: East Asian, 0.0022%; no homozygotes.

Submission:

Labcorp Genetics (formerly Invitae), Labcorp
Classification: Uncertain significance. Last evaluated: 2022-10-24. Review status: criteria provided, single submitter. Criteria: Invitae Variant Classification Sherloc (09022015). Collection method: clinical testing. Allele origin: germline.
Comment: This sequence change replaces valine, which is neutral and non-polar, with alanine, which is neutral and non-polar, at codon 39 of the USH1C protein (p.Val39Ala). This variant is not present in population databases (gnomAD no frequency). This variant has not been reported in the literature in individuals affected with USH1C-related conditions. Algorithms developed to predict the effect of missense changes on protein structure and function are either unavailable or do not agree on the potential impact of this missense change (SIFT: "Tolerated"; PolyPhen-2: "Possibly Damaging"; Align-GVGD: "Class C0"). In summary, the available evidence is currently insufficient to determine the role of this variant in disease. Therefore, it has been classified as a Variant of Uncertain Significance.